The following is an entry in ClinVar:

ClinVar aggregate classification (germline): Uncertain significance (1 of 4 stars; one submission).

Allele frequency attached by ClinVar (database versions not stated): gnomAD 0.00001; TOPMed 0.00002; gnomAD exomes 0.00001.
gnomAD v4.1: 22 of 1,606,798 alleles (0.0014%); highest among the groups gnomAD compares: Non-Finnish European, 0.0014%; no homozygotes.

Submission:

Labcorp Genetics (formerly Invitae), Labcorp
Classification: Uncertain significance. Last evaluated: 2025-01-29. Review status: criteria provided, single submitter. Criteria: Invitae Variant Classification Sherloc (09022015). Collection method: clinical testing. Allele origin: germline.
Comment: This sequence change replaces isoleucine, which is neutral and non-polar, with threonine, which is neutral and polar, at codon 969 of the GUCY2C protein (p.Ile969Thr). This variant is present in population databases (no rsID available, gnomAD no frequency). This variant has not been reported in the literature in individuals affected with GUCY2C-related conditions. ClinVar contains an entry for this variant (Variation ID: 2080586). Invitae Evidence Modeling of protein sequence and biophysical properties (such as structural, functional, and spatial information, amino acid conservation, physicochemical variation, residue mobility, and thermodynamic stability) has been performed for this missense variant. However, the output from this modeling did not meet the statistical confidence thresholds required to predict the impact of this variant on GUCY2C protein function. In summary, the available evidence is currently insufficient to determine the role of this variant in disease. Therefore, it has been classified as a Variant of Uncertain Significance.

NM_004963.4(GUCY2C):c.2906T>C (p.Ile969Thr)

Genes: GUCY2C (guanylate cyclase 2C; minus strand), PLBD1-AS1 (PLBD1 antisense RNA 1; plus strand). Cytogenetic location: 12p12.3.
Variant type: single nucleotide variant.
Coding change: c.2906T>C on transcript NM_004963.4 (MANE Select); coding-DNA position 2906, T replaced by C.
Protein change: p.Ile969Thr; replaces isoleucine 969 with threonine.
Molecular consequence: missense variant.
Genome position (GRCh38, 1-based): chr12:14,616,697, A>G on the plus strand (T>C on the coding strand, the complement: GUCY2C is on the minus strand). VCF-style: chr12-14616697-A-G. GRCh37 (hg19) VCF-style: chr12-14769631-A-G.
Other names: short protein forms I969T.
Identifiers: ClinVar variation 2080586 (VCV002080586.4), dbSNP rs897088095, ClinGen allele CA233221801.